The following is an entry in ClinVar:

NM_024301.5(FKRP):c.1171G>A (p.Gly391Ser)

Gene: FKRP (fukutin related protein; plus strand). Cytogenetic location: 19q13.32.
Variant type: single nucleotide variant.
Coding change: c.1171G>A on transcript NM_024301.5 (MANE Select); coding-DNA position 1171, G replaced by A.
Protein change: p.Gly391Ser; replaces glycine 391 with serine.
Molecular consequence: missense variant.
Genome position (GRCh38, 1-based): chr19:46,756,621, G>A. VCF-style: chr19-46756621-G-A. GRCh37 (hg19) VCF-style: chr19-47259878-G-A.
Other names: c.1171G>A, p.Gly391Ser (NM_001039885.3); c.1171G>A (NM_024301.4); short protein forms G391S.
Identifiers: ClinVar variation 1500916 (VCV001500916.11), dbSNP rs775201067, ClinGen allele CA9532266.

ClinVar aggregate classification (germline): Uncertain significance. Review status: criteria provided, multiple submitters, no conflicts (2 of 4 stars). 5 submissions from 5 submitters: Uncertain significance (5). Last evaluated 2025-01-19.

Conditions:
Walker-Warburg congenital muscular dystrophy. Also called: Muscular dystrophy-dystroglycanopathy, type A; Walker-Warburg syndrome. Identifiers: Orphanet 899, MedGen C0265221, MONDO:0000171.
Cardiovascular phenotype. Identifiers: MedGen CN230736.

Allele frequency attached by ClinVar (database versions not stated): gnomAD 0.00003; TOPMed 0.00003.
gnomAD v4.1: 18 of 1,612,512 alleles (0.0011%); highest among the groups gnomAD compares: Non-Finnish European, 0.0015%; no homozygotes.

Submissions (5):

Ambry Genetics
Classification: Uncertain significance for Cardiovascular phenotype. Last evaluated: 2025-01-19. Review status: criteria provided, single submitter. Criteria: Ambry Variant Classification Scheme 2023. Collection method: clinical testing. Allele origin: germline.
Comment: The p.G391S variant (also known as c.1171G>A), located in coding exon 1 of the FKRP gene, results from a G to A substitution at nucleotide position 1171. The glycine at codon 391 is replaced by serine, an amino acid with similar properties. This variant has been reported in a FKRP database (Murphy LB et al. Ann Clin Transl Neurol, 2020 May;7:757-766). This amino acid position is highly conserved in available vertebrate species. In addition, this alteration is predicted to be deleterious by in silico analysis. Based on the available evidence, the clinical significance of this variant remains unclear.

GeneDx
Classification: Uncertain significance. Last evaluated: 2024-06-12. Review status: criteria provided, single submitter. Criteria: GeneDx Variant Classification Process June 2021. Collection method: clinical testing. Allele origin: germline. Affected: yes.
Comment: Not observed at significant frequency in large population cohorts (gnomAD); Missense variants in this gene are a common cause of disease and they are underrepresented in the general population; In silico analysis supports that this missense variant has a deleterious effect on protein structure/function; Has not been previously published as pathogenic or benign to our knowledge

Blueprint Genetics
Classification: Uncertain significance. Last evaluated: 2024-04-15. Review status: criteria provided, single submitter. Criteria: ACMG Guidelines, 2015. Collection method: clinical testing. Allele origin: germline.

Labcorp Genetics (formerly Invitae), Labcorp
Classification: Uncertain significance for Walker-Warburg congenital muscular dystrophy. Last evaluated: 2022-03-07. Review status: criteria provided, single submitter. Criteria: Invitae Variant Classification Sherloc (09022015). Collection method: clinical testing. Allele origin: germline.
Comment: This sequence change replaces glycine, which is neutral and non-polar, with serine, which is neutral and polar, at codon 391 of the FKRP protein (p.Gly391Ser). This variant is not present in population databases (gnomAD no frequency). This variant has not been reported in the literature in individuals affected with FKRP-related conditions. Algorithms developed to predict the effect of missense changes on protein structure and function are either unavailable or do not agree on the potential impact of this missense change (SIFT: "Deleterious"; PolyPhen-2: "Probably Damaging"; Align-GVGD: "Class C0"). In summary, the available evidence is currently insufficient to determine the role of this variant in disease. Therefore, it has been classified as a Variant of Uncertain Significance.

Revvity Omics, Revvity
Classification: Uncertain significance. Last evaluated: 2019-03-21. Review status: criteria provided, single submitter. Criteria: ACMG Guidelines, 2015. Collection method: clinical testing. Allele origin: germline.

Literature cited by the submitters: PubMed 32342672 (cited by Ambry Genetics).